The following is an entry in ClinVar:

ClinVar aggregate classification (germline): Uncertain significance. Review status: criteria provided, multiple submitters, no conflicts (2 of 4 stars). 4 submissions from 4 submitters: Uncertain significance (4). Last evaluated 2024-02-05.

Conditions:
Familial focal epilepsy with variable foci (FPEVF). Identifiers: Orphanet 98820, MedGen C1858477, MONDO:0020310.

gnomAD v4.1: 10 of 1,551,162 alleles (0.00064%); highest among the groups gnomAD compares: South Asian, 0.0038%; no homozygotes.

Submissions (4):

Labcorp Genetics (formerly Invitae), Labcorp
Classification: Uncertain significance for Familial focal epilepsy with variable foci. Last evaluated: 2024-02-05. Review status: criteria provided, single submitter. Criteria: Invitae Variant Classification Sherloc (09022015). Collection method: clinical testing. Allele origin: germline.
Comment: This sequence change replaces arginine, which is basic and polar, with glutamine, which is neutral and polar, at codon 239 of the DEPDC5 protein (p.Arg239Gln). This variant is present in population databases (rs371511498, gnomAD 0.009%). This variant has not been reported in the literature in individuals affected with DEPDC5-related conditions. ClinVar contains an entry for this variant (Variation ID: 1023533). Experimental studies and prediction algorithms are not available or were not evaluated, and the functional significance of this variant is currently unknown. In summary, the available evidence is currently insufficient to determine the role of this variant in disease. Therefore, it has been classified as a Variant of Uncertain Significance.

Revvity Omics, Revvity
Classification: Uncertain significance. Last evaluated: 2024-02-02. Review status: criteria provided, single submitter. Criteria: ACMG Guidelines, 2015. Collection method: clinical testing. Allele origin: germline.

GeneDx
Classification: Uncertain significance. Last evaluated: 2022-06-21. Review status: criteria provided, single submitter. Criteria: GeneDx Variant Classification Process June 2021. Collection method: clinical testing. Allele origin: germline. Affected: yes.
Comment: In silico analysis supports that this missense variant has a deleterious effect on protein structure/function; Has not been previously published as pathogenic or benign to our knowledge

CeGaT Center for Human Genetics Tuebingen
Classification: Uncertain significance. Last evaluated: 2021-05-01. Review status: criteria provided, single submitter. Criteria: CeGaT Center For Human Genetics Tuebingen Variant Classification Criteria Version 2. Collection method: clinical testing. Allele origin: germline. Affected: yes. Observed: 1 variant allele.

NM_001242896.3(DEPDC5):c.716G>A (p.Arg239Gln)

Gene: DEPDC5 (DEP domain containing 5, GATOR1 subcomplex subunit; plus strand). Cytogenetic location: 22q12.2.
Variant type: single nucleotide variant.
Coding change: c.716G>A on transcript NM_001242896.3 (MANE Select); coding-DNA position 716, G replaced by A.
Protein change: p.Arg239Gln; replaces arginine 239 with glutamine.
Molecular consequence: missense variant. On other transcripts: non-coding transcript variant (5).
Genome position (GRCh38, 1-based): chr22:31,792,766, G>A. VCF-style: chr22-31792766-G-A. GRCh37 (hg19) VCF-style: chr22-32188752-G-A.
Other names: c.716G>A, p.Arg239Gln (NM_001007188.4, NM_001136029.4, NM_001242897.2 and 7 more transcripts); c.632G>A, p.Arg211Gln (NM_001369901.1, NM_001369902.1); short protein forms R211Q, R239Q.
Identifiers: ClinVar variation 1023533 (VCV001023533.44), dbSNP rs371511498, ClinGen allele CA10196089.